The following is an entry in ClinVar:

ClinVar aggregate classification (germline): Benign/Likely benign. Review status: criteria provided, multiple submitters, no conflicts (2 of 4 stars). 3 submissions from 3 submitters: Benign (1); Likely benign (2). Last evaluated 2025-01-28.

Conditions:
Lynch syndrome 4 (LYNCH4). Also called: Colorectal cancer, hereditary nonpolyposis, type 4; Hereditary non-polyposis colorectal cancer, type 4. Identifiers: Orphanet 144, MedGen C1838333, MONDO:0013699, OMIM 614337. Disease mechanism: loss of function.
Hereditary cancer-predisposing syndrome. Also called: Neoplastic Syndromes, Hereditary; Tumor predisposition; Hereditary neoplastic syndrome; Hereditary Cancer Syndrome. Identifiers: Orphanet 140162, MedGen C0027672, MeSH D009386, MONDO:0015356.

gnomAD v4.1: 1 of 1,613,502 alleles (0.000062%); highest among the groups gnomAD compares: Non-Finnish European, 0.000085%; no homozygotes.

Submissions (3):

Myriad Genetics, Inc.
Classification: Benign for Lynch syndrome 4. Last evaluated: 2025-01-28. Review status: criteria provided, single submitter. Criteria: Myriad Autosomal Dominant, Autosomal Recessive and X-Linked Classification Criteria (2023). Collection method: clinical testing. Allele origin: unknown.
Comment: This variant is considered benign. This variant is a silent/synonymous amino acid change and it is not expected to impact splicing.

Ambry Genetics
Classification: Likely benign for Hereditary cancer-predisposing syndrome. Last evaluated: 2021-09-24. Review status: criteria provided, single submitter. Criteria: Ambry Variant Classification Scheme 2023. Collection method: clinical testing. Allele origin: germline.

Color Diagnostics, LLC DBA Color Health
Classification: Likely benign for Hereditary cancer-predisposing syndrome. Last evaluated: 2018-05-29. Review status: criteria provided, single submitter. Criteria: ACMG Guidelines, 2015. Collection method: clinical testing. Allele origin: germline.

NM_000535.7(PMS2):c.831G>T (p.Thr277=)

Gene: PMS2 (PMS1 homolog 2, mismatch repair system component; minus strand). Cytogenetic location: 7p22.1.
Variant type: single nucleotide variant.
Coding change: c.831G>T on transcript NM_000535.7 (MANE Select); coding-DNA position 831, G replaced by T.
Protein change: p.Thr277=; no amino-acid change (threonine 277 retained).
Molecular consequence: synonymous variant. On other transcripts: 5 prime UTR variant (2), non-coding transcript variant (1).
Genome position (GRCh38, 1-based): chr7:5,995,606, C>A on the plus strand (G>T on the coding strand, the complement: PMS2 is on the minus strand). VCF-style: chr7-5995606-C-A. GRCh37 (hg19) VCF-style: chr7-6035237-C-A.
Other names: c.-103G>T (NM_001322011.2, NM_001322012.2); c.258G>T, p.Thr86= (NM_001322013.2); c.831G>T, p.Thr277= (NM_001322014.2, NM_001322006.2); c.522G>T, p.Thr174= (NM_001322015.2); c.426G>T, p.Thr142= (NM_001322003.2, NM_001322004.2, NM_001322005.2 and 2 more transcripts); c.513G>T, p.Thr171= (NM_001322007.2, NM_001322008.2).
Identifiers: ClinVar variation 628491 (VCV000628491.5), dbSNP rs116481522, ClinGen allele CA453645852.
Genomic context (GRCh38, chr7:5,995,606, plus strand): 5'-ACAAGGCCGCCGGTTGATAAAGAAAAACTGTCTGTCTGTTGAACTCCTTCCAACTCCATG[C>A]GTGCATTGTGAAATGAAACCTGAGATGCTATTCAACATTAATATGGTAAGGGCAGGATTC-3'
Protein context (NP_000526.2, residues 267-287): FYISGFISQC[Thr277=]HGVGRSSTDR